The following is an entry in ClinVar:

ClinVar aggregate classification (germline): Uncertain significance (1 of 4 stars; one submission).

Allele frequency attached by ClinVar (database versions not stated): gnomAD exomes below 0.00001.
gnomAD v4.1: 2 of 1,614,072 alleles (0.00012%); highest among the groups gnomAD compares: Non-Finnish European, 0.000085%; no homozygotes.

Submission:

Labcorp Genetics (formerly Invitae), Labcorp
Classification: Uncertain significance. Last evaluated: 2023-08-23. Review status: criteria provided, single submitter. Criteria: Invitae Variant Classification Sherloc (09022015). Collection method: clinical testing. Allele origin: germline.
Comment: In summary, the available evidence is currently insufficient to determine the role of this variant in disease. Therefore, it has been classified as a Variant of Uncertain Significance. Variants that disrupt the consensus splice site are a relatively common cause of aberrant splicing (PMID: 17576681, 9536098). Algorithms developed to predict the effect of sequence changes on RNA splicing suggest that this variant is not likely to affect RNA splicing. This variant has not been reported in the literature in individuals affected with USH2A-related conditions. This variant is not present in population databases (gnomAD no frequency). This sequence change falls in intron 71 of the USH2A gene. It does not directly change the encoded amino acid sequence of the USH2A protein. It affects a nucleotide within the consensus splice site.

Literature cited by the submitters: PubMed 17576681; PubMed 9536098.

NM_206933.4(USH2A):c.15519+3G>A

Gene: USH2A (usherin; minus strand). Cytogenetic location: 1q41.
Variant type: single nucleotide variant.
Coding change: c.15519+3G>A on transcript NM_206933.4 (MANE Select); 3 bases into the intron after coding-DNA position 15519, G replaced by A.
Molecular consequence: intron variant.
Genome position (GRCh38, 1-based): chr1:215,628,811, C>T on the plus strand (G>A on the coding strand, the complement: USH2A is on the minus strand). VCF-style: chr1-215628811-C-T. GRCh37 (hg19) VCF-style: chr1-215802153-C-T.
Identifiers: ClinVar variation 2909165 (VCV002909165.3), dbSNP rs2464752112, ClinGen allele CA2650499600.
Genomic context (GRCh38, chr1:215,628,811, plus strand): 5'-GCTCTGTACCAATATTTTTTCTGGGATATTTAGCAAAGGCCCTGTATGAGGAAACCAACT[C>T]ACCAGTCCACTGTTGTGGCCCATGATGGCTTCCCACAGTGAGTTGTCCATCAAGACTTTC-3'